The following is an entry in ClinVar:

ClinVar aggregate classification (germline): Uncertain significance (1 of 4 stars; one submission).

gnomAD v4.1: 2 of 1,613,200 alleles (0.00012%); highest among the groups gnomAD compares: African/African-American, 0.0027%; no homozygotes.

Submission:

Labcorp Genetics (formerly Invitae), Labcorp
Classification: Uncertain significance. Last evaluated: 2025-02-25. Review status: criteria provided, single submitter. Criteria: Invitae Variant Classification Sherloc (09022015). Collection method: clinical testing. Allele origin: germline.
Comment: This sequence change replaces alanine, which is neutral and non-polar, with glutamic acid, which is acidic and polar, at codon 51 of the MYO6 protein (p.Ala51Glu). This variant is not present in population databases (gnomAD no frequency). This variant has not been reported in the literature in individuals affected with MYO6-related conditions. Invitae Evidence Modeling of protein sequence and biophysical properties (such as structural, functional, and spatial information, amino acid conservation, physicochemical variation, residue mobility, and thermodynamic stability) indicates that this missense variant is not expected to disrupt MYO6 protein function with a negative predictive value of 80%. In summary, the available evidence is currently insufficient to determine the role of this variant in disease. Therefore, it has been classified as a Variant of Uncertain Significance.

NM_004999.4(MYO6):c.152C>A (p.Ala51Glu)

Gene: MYO6 (myosin VI; plus strand). Cytogenetic location: 6q14.1.
Variant type: single nucleotide variant.
Coding change: c.152C>A on transcript NM_004999.4 (MANE Select); coding-DNA position 152, C replaced by A.
Protein change: p.Ala51Glu; replaces alanine 51 with glutamic acid.
Molecular consequence: missense variant. On other transcripts: non-coding transcript variant (2).
Genome position (GRCh38, 1-based): chr6:75,822,816, C>A. VCF-style: chr6-75822816-C-A. GRCh37 (hg19) VCF-style: chr6-76532533-C-A.
Other names: c.152C>A, p.Ala51Glu (NM_001300899.2, NM_001368136.1, NM_001368137.1 and 5 more transcripts); short protein forms A51E.
Identifiers: ClinVar variation 4762318 (VCV004762318.1).